The following is an entry in ClinVar:

ClinVar aggregate classification (germline): Uncertain significance. Review status: criteria provided, multiple submitters, no conflicts (2 of 4 stars). 2 submissions from 2 submitters: Uncertain significance (2). Last evaluated 2025-08-23.

Conditions:
Familial thoracic aortic aneurysm and aortic dissection (TAAD). Also called: Thoracic aortic aneurysms and dissections. Identifiers: Orphanet 91387, MedGen C4707243, MONDO:0019625.
Shprintzen-Goldberg syndrome (SGS). Also called: Marfanoid disorder with craniosynostosis type 1; Marfanoid craniosynostosis syndrome; Shprintzen-Goldberg marfanoid syndrome; SHPRINTZEN-GOLDBERG CRANIOSYNOSTOSIS SYNDROME; CRANIOSYNOSTOSIS WITH ARACHNODACTYLY AND ABDOMINAL HERNIAS. Identifiers: Orphanet 2462, MedGen C1321551, MONDO:0008426, OMIM 182212.

gnomAD v4.1: 2 of 1,612,622 alleles (0.00012%); highest among the groups gnomAD compares: Non-Finnish European, 0.00017%; no homozygotes.

Submissions (2):

Ambry Genetics
Classification: Uncertain significance for Familial thoracic aortic aneurysm and aortic dissection. Last evaluated: 2025-08-23. Review status: criteria provided, single submitter. Criteria: Ambry Variant Classification Scheme 2023. Collection method: clinical testing. Allele origin: germline.

Labcorp Genetics (formerly Invitae), Labcorp
Classification: Uncertain significance for Shprintzen-Goldberg syndrome. Last evaluated: 2024-12-22. Review status: criteria provided, single submitter. Criteria: Invitae Variant Classification Sherloc (09022015). Collection method: clinical testing. Allele origin: germline.
Comment: This sequence change replaces asparagine, which is neutral and polar, with serine, which is neutral and polar, at codon 280 of the SKI protein (p.Asn280Ser). This variant is present in population databases (rs201251918, gnomAD 0.0009%). This variant has not been reported in the literature in individuals affected with SKI-related conditions. Invitae Evidence Modeling of protein sequence and biophysical properties (such as structural, functional, and spatial information, amino acid conservation, physicochemical variation, residue mobility, and thermodynamic stability) has been performed for this missense variant. However, the output from this modeling did not meet the statistical confidence thresholds required to predict the impact of this variant on SKI protein function. In summary, the available evidence is currently insufficient to determine the role of this variant in disease. Therefore, it has been classified as a Variant of Uncertain Significance.

NM_003036.4(SKI):c.839A>G (p.Asn280Ser)

Gene: SKI (SKI proto-oncogene; plus strand). Cytogenetic location: 1p36.33.
Variant type: single nucleotide variant.
Coding change: c.839A>G on transcript NM_003036.4 (MANE Select); coding-DNA position 839, A replaced by G.
Protein change: p.Asn280Ser; replaces asparagine 280 with serine.
Molecular consequence: missense variant.
Genome position (GRCh38, 1-based): chr1:2,229,605, A>G. VCF-style: chr1-2229605-A-G. GRCh37 (hg19) VCF-style: chr1-2161044-A-G.
Other names: c.839A>G (NM_003036.3); short protein forms N280S.
Identifiers: ClinVar variation 3643276 (VCV003643276.3).